The following is an entry in ClinVar:

ClinVar aggregate classification (germline): Benign/Likely benign. Review status: criteria provided, multiple submitters, no conflicts (2 of 4 stars). 2 submissions from 2 submitters: Benign (1); Likely benign (1). Last evaluated 2024-10-29.

Conditions:
Prostate cancer, hereditary, 9 (HPC9). Identifiers: Orphanet 1331, MedGen C1970250, MONDO:0012597, OMIM 610997.

Submissions (2):

Labcorp Genetics (formerly Invitae), Labcorp
Classification: Likely benign. Last evaluated: 2024-10-29. Review status: criteria provided, single submitter. Criteria: Invitae Variant Classification Sherloc (09022015). Collection method: clinical testing. Allele origin: germline.

Myriad Genetics, Inc.
Classification: Benign for Prostate cancer, hereditary, 9. Last evaluated: 2024-10-29. Review status: criteria provided, single submitter. Criteria: Myriad Autosomal Dominant, Autosomal Recessive and X-Linked Classification Criteria (2023). Collection method: clinical testing. Allele origin: unknown.
Comment: This variant is considered benign. This variant is a silent/synonymous amino acid change and it is not expected to impact splicing.

NM_006361.6(HOXB13):c.147C>T (p.Ala49=)

Gene: HOXB13 (homeobox B13; minus strand). Cytogenetic location: 17q21.32.
Variant type: single nucleotide variant.
Coding change: c.147C>T on transcript NM_006361.6 (MANE Select); coding-DNA position 147, C replaced by T.
Protein change: p.Ala49=; no amino-acid change (alanine 49 retained).
Molecular consequence: synonymous variant.
Genome position (GRCh38, 1-based): chr17:48,728,447, G>A on the plus strand (C>T on the coding strand, the complement: HOXB13 is on the minus strand). VCF-style: chr17-48728447-G-A. GRCh37 (hg19) VCF-style: chr17-46805809-G-A.
Identifiers: ClinVar variation 1552173 (VCV001552173.9), dbSNP rs2143074721, ClinGen allele CA500502714.